The following is an entry in ClinVar:

NM_001174089.2(SLC4A11):c.1807G>A (p.Ala603Thr)

Gene: SLC4A11 (solute carrier family 4 member 11; minus strand). Cytogenetic location: 20p13.
Variant type: single nucleotide variant.
Coding change: c.1807G>A on transcript NM_001174089.2 (MANE Select); coding-DNA position 1807, G replaced by A.
Protein change: p.Ala603Thr; replaces alanine 603 with threonine.
Molecular consequence: missense variant. On other transcripts: non-coding transcript variant (1).
Genome position (GRCh38, 1-based): chr20:3,229,388, C>T on the plus strand (G>A on the coding strand, the complement: SLC4A11 is on the minus strand). VCF-style: chr20-3229388-C-T. GRCh37 (hg19) VCF-style: chr20-3210034-C-T.
Other names: c.1936G>A, p.Ala646Thr (NM_001174090.2); c.1693G>A, p.Ala565Thr (NM_001363745.2); c.1855G>A, p.Ala619Thr (NM_032034.4); short protein forms A565T, A646T, A619T, A603T.
Identifiers: ClinVar variation 898123 (VCV000898123.12), dbSNP rs138262189, ClinGen allele CA9741718.

ClinVar aggregate classification (germline): Conflicting classifications of pathogenicity. Review status: criteria provided, conflicting classifications (1 of 4 stars). 6 submissions from 6 submitters: Uncertain significance (3); Likely benign (3). Last evaluated 2026-08-13.

Conditions:
Corneal dystrophy. Identifiers: Orphanet 34533, MedGen C0010036, MONDO:0018102, HP:0001131.
Corneal dystrophy, Fuchs endothelial, 4 (FECD4). Identifiers: Orphanet 98974, MedGen C2750450, MONDO:0013204, OMIM 613268.
Congenital hereditary endothelial dystrophy of cornea. Also called: Corneal endothelial dystrophy, autosomal recessive; Congenital hereditary endothelial dystrophy of the cornea; Maumenee corneal dystrophy; Congenital hereditary endothelial dystrophy type II; CORNEAL DYSTROPHY, CONGENITAL HEREDITARY ENDOTHELIAL. Identifiers: Orphanet 293603, MedGen C1857569, MONDO:0009019, OMIM 217700.
Corneal dystrophy-perceptive deafness syndrome (CDPD). Also called: CORNEAL DYSTROPHY AND SENSORINEURAL DEAFNESS; HARBOYAN SYNDROME. Identifiers: Orphanet 1490, MedGen C1857572, MONDO:0009015, OMIM 217400.
SLC4A11-related disorder. Also called: SLC4A11-related condition.

Allele frequency attached by ClinVar (database versions not stated): gnomAD exomes 0.00026 and 0.00042; 1000 Genomes Project 30x 0.00031; ExAC 0.00038; ESP Exome Variant Server 0.00038; 1000 Genomes Project 0.00040; TOPMed 0.00044.
gnomAD v4.1: 440 of 1,613,318 alleles (0.027%); highest among the groups gnomAD compares: Admixed American, 0.17%; 1 homozygote.

Submissions (6):

PreventionGenetics, part of Exact Sciences
Classification: Likely benign for SLC4A11-related condition. Last evaluated: 2026-08-13. Review status: criteria provided, single submitter. Criteria: ACMG Guidelines, 2015. Collection method: clinical testing. Allele origin: germline.
Comment: This variant is classified as likely benign based on ACMG/AMP sequence variant interpretation guidelines (Richards et al. 2015 PMID: 25741868, with internal and published modifications).

Labcorp Genetics (formerly Invitae), Labcorp
Classification: Likely benign. Last evaluated: 2026-01-24. Review status: criteria provided, single submitter. Criteria: Invitae Variant Classification Sherloc (09022015). Collection method: clinical testing. Allele origin: germline.

Blueprint Genetics
Classification: Likely benign. Last evaluated: 2024-09-07. Review status: criteria provided, single submitter. Criteria: ACMG Guidelines, 2015. Collection method: clinical testing. Allele origin: germline.

Women's Health and Genetics/Laboratory Corporation of America, LabCorp
Classification: Uncertain significance. Last evaluated: 2022-02-16. Review status: criteria provided, single submitter. Criteria: LabCorp Variant Classification Summary - May 2015. Collection method: clinical testing. Allele origin: germline.
Comment: Variant summary: SLC4A11 c.1855G>A (p.Ala619Thr) results in a non-conservative amino acid change located in the Bicarbonate transporter, C-terminal domain (IPR011531) of the encoded protein sequence. Four of five in-silico tools predict a benign effect of the variant on protein function. The variant allele was found at a frequency of 0.00042 in 250746 control chromosomes, predominantly at a frequency of 0.0017 within the Latino subpopulation in the gnomAD database. The observed variant frequency within Latino control individuals in the gnomAD database is approximately 1.5 fold of the estimated maximal expected allele frequency for a pathogenic variant in SLC4A11 causing Corneal Dystrophy And Perceptive Deafness phenotype (0.0011), suggesting that the variant is a benign polymorphism found primarily in populations of Latino origin. c.1855G>A has been reported in the literature in individuals affected with Corneal Dystrophy And Perceptive Deafness without strong evidence for causality (examples: Li_2021 and Meng_2019). These data do not allow any conclusion about variant significance. To our knowledge, no experimental evidence demonstrating an impact on protein function has been reported. One clinical diagnostic laboratory has submitted clinical-significance assessments for this variant to ClinVar after 2014 and classified the variant as uncertain significance. Based on the evidence outlined above, the variant was classified as VUS - possibly benign.

Fulgent Genetics
Classification: Uncertain significance for Corneal dystrophy-perceptive deafness syndrome; Congenital hereditary endothelial dystrophy of cornea; Corneal dystrophy, Fuchs endothelial, 4. Last evaluated: 2021-11-19. Review status: criteria provided, single submitter. Criteria: ACMG Guidelines, 2015. Collection method: clinical testing. Allele origin: unknown.

Illumina Laboratory Services, Illumina
Classification: Uncertain significance for Corneal dystrophy. Last evaluated: 2018-01-12. Review status: criteria provided, single submitter. Criteria: ICSL Variant Classification Criteria 13 December 2019. Collection method: clinical testing. Allele origin: germline.

Literature cited by the submitters: PubMed 28973083 (cited by Women's Health and Genetics/Laboratory Corporation of America, LabCorp); PubMed 33816482 (cited by Women's Health and Genetics/Laboratory Corporation of America, LabCorp).